The following is an entry in ClinVar:

ClinVar aggregate classification (germline): Uncertain significance. Review status: criteria provided, multiple submitters, no conflicts (2 of 4 stars). 4 submissions from 4 submitters: Uncertain significance (4). Last evaluated 2025-12-19.

Conditions:
Charcot-Marie-Tooth disease type 2. Also called: Charcot-Marie-Tooth type 2. Identifiers: Orphanet 64746, MedGen C0270914, MONDO:0018993.
MFN2-related disorder. Also called: MFN2-related disorders; MFN2-related condition.
Inborn genetic diseases. Identifiers: MedGen C0950123, MeSH D030342.

Allele frequency attached by ClinVar (database versions not stated): gnomAD exomes 0.00002 and 0.00007; ExAC 0.00007; TOPMed 0.00009; gnomAD 0.00011; 1000 Genomes Project 0.00020; ESP Exome Variant Server 0.00023; 1000 Genomes Project 30x 0.00031.
gnomAD v4.1: 51 of 1,614,220 alleles (0.0032%); highest among the groups gnomAD compares: African/African-American, 0.036%; no homozygotes.

Submissions (4):

PreventionGenetics, part of Exact Sciences
Classification: Uncertain significance for MFN2-related condition. Last evaluated: 2025-12-19. Review status: criteria provided, single submitter. Criteria: ACMG Guidelines, 2015. Collection method: clinical testing. Allele origin: germline.
Comment: The MFN2 c.1199G>A variant is predicted to result in the amino acid substitution p.Arg400Gln. To our knowledge, this variant has not been reported in the literature in patients with features of MFN2-related disorders. Experimental studies suggest this variant impacts protein function (Eschenbacher et al. 2012. PubMed ID: 22957060; Franco et al. 2023. PubMed ID: 37910431). This variant is reported in 0.040% of alleles in individuals of African descent in gnomAD. At this time, the clinical significance of this variant is uncertain due to the absence of conclusive functional and genetic evidence.

Labcorp Genetics (formerly Invitae), Labcorp
Classification: Uncertain significance for Charcot-Marie-Tooth disease type 2. Last evaluated: 2025-12-15. Review status: criteria provided, single submitter. Criteria: Invitae Variant Classification Sherloc (09022015). Collection method: clinical testing. Allele origin: germline.
Comment: This sequence change replaces arginine, which is basic and polar, with glutamine, which is neutral and polar, at codon 400 of the MFN2 protein (p.Arg400Gln). This variant is present in population databases (rs138072432, gnomAD 0.03%). This variant has not been reported in the literature in individuals affected with MFN2-related conditions. ClinVar contains an entry for this variant (Variation ID: 1416722). Invitae Evidence Modeling of protein sequence and biophysical properties (such as structural, functional, and spatial information, amino acid conservation, physicochemical variation, residue mobility, and thermodynamic stability) has been performed for this missense variant. However, the output from this modeling did not meet the statistical confidence thresholds required to predict the impact of this variant on MFN2 protein function. Experimental studies have shown that this missense change affects MFN2 function (PMID: 22957060, 37910431). In summary, the available evidence is currently insufficient to determine the role of this variant in disease. Therefore, it has been classified as a Variant of Uncertain Significance.

GeneDx
Classification: Uncertain significance. Last evaluated: 2025-11-02. Review status: criteria provided, single submitter. Criteria: GeneDx Variant Classification Process June 2021. Collection method: clinical testing. Allele origin: germline.
Comment: Published functional studies demonstrate a damaging effect and show that this variant affects mitochondria and induces cardiomyopathy (PMID: 22957060, 37910431); In silico analysis suggests that this missense variant does not alter protein structure/function; This variant is associated with the following publications: (PMID: 22957060, 26785495, 38274408, 37910431, 40175090, 39284622, Al-ShahrabiR2025[review])

Ambry Genetics
Classification: Uncertain significance for Inborn genetic diseases. Last evaluated: 2020-12-08. Review status: criteria provided, single submitter. Criteria: Ambry Variant Classification Scheme 2023. Collection method: clinical testing. Allele origin: germline.
Comment: The p.R400Q variant (also known as c.1199G>A), located in coding exon 10 of the MFN2 gene, results from a G to A substitution at nucleotide position 1199. The arginine at codon 400 is replaced by glutamine, an amino acid with highly similar properties. Functional studies suggest protein with this alteration interferes with mitochondrial morphology and function in animal models (Eschenbacher WH et al. PLoS One, 2012 Sep;7:e44296). This amino acid position is highly conserved in available vertebrate species. In addition, this alteration is predicted to be deleterious by in silico analysis. Based on the supporting evidence, this variant is unlikely to be causative of Charcot-Marie-Tooth disease type 2A2A and hereditary motor and sensory neuropathy VIA; however, its contribution to the development of Charcot-Marie-Tooth disease type 2A2B is uncertain.

Literature cited by the submitters: PubMed 22957060 (cited by Labcorp Genetics (formerly Invitae), Labcorp and Ambry Genetics); PubMed 37910431 (cited by Labcorp Genetics (formerly Invitae), Labcorp).

NM_014874.4(MFN2):c.1199G>A (p.Arg400Gln)

Gene: MFN2 (mitofusin 2; plus strand). Cytogenetic location: 1p36.22.
Variant type: single nucleotide variant.
Coding change: c.1199G>A on transcript NM_014874.4 (MANE Select); coding-DNA position 1199, G replaced by A.
Protein change: p.Arg400Gln; replaces arginine 400 with glutamine.
Molecular consequence: missense variant.
Genome position (GRCh38, 1-based): chr1:12,004,030, G>A. VCF-style: chr1-12004030-G-A. GRCh37 (hg19) VCF-style: chr1-12064087-G-A.
Other names: c.1199G>A, p.Arg400Gln (NM_001127660.2); short protein forms R400Q.
Identifiers: ClinVar variation 1416722 (VCV001416722.11), dbSNP rs138072432, ClinGen allele CA599049.